The following is an entry in ClinVar:

ClinVar aggregate classification (germline): Uncertain significance (1 of 4 stars; one submission).

Conditions:
Early-infantile DEE. Also called: Ohtahara syndrome; Early infantile epileptic encephalopathy; Early infantile epileptic encephalopathy with suppression bursts. Identifiers: Orphanet 1934, MedGen C0393706, MONDO:0800491.

Allele frequency attached by ClinVar (database versions not stated): gnomAD exomes below 0.00001.

Submission:

Labcorp Genetics (formerly Invitae), Labcorp
Classification: Uncertain significance for Early-infantile DEE. Last evaluated: 2020-01-11. Review status: criteria provided, single submitter. Criteria: Invitae Variant Classification Sherloc (09022015). Collection method: clinical testing. Allele origin: germline.
Comment: Algorithms developed to predict the effect of missense changes on protein structure and function (SIFT, PolyPhen-2, Align-GVGD) all suggest that this variant is likely to be disruptive, but these predictions have not been confirmed by published functional studies and their clinical significance is uncertain. This variant has been observed in individual(s) with febrile seizures (PMID: 31302675). This variant is not present in population databases (ExAC no frequency). This sequence change replaces methionine with threonine at codon 1364 of the SCN1A protein (p.Met1364Thr). The methionine residue is highly conserved and there is a moderate physicochemical difference between methionine and threonine. In summary, the available evidence is currently insufficient to determine the role of this variant in disease. Therefore, it has been classified as a Variant of Uncertain Significance.

Literature cited by the submitters: PubMed 31302675.

NM_001165963.4(SCN1A):c.4091T>C (p.Met1364Thr)

Genes: SCN1A (sodium voltage-gated channel alpha subunit 1; minus strand), LOC102724058 (uncharacterized LOC102724058; plus strand). Cytogenetic location: 2q24.3.
Variant type: single nucleotide variant.
Coding change: c.4091T>C on transcript NM_001165963.4 (MANE Select); coding-DNA position 4091, T replaced by C.
Protein change: p.Met1364Thr; replaces methionine 1364 with threonine.
Molecular consequence: missense variant. On other transcripts: non-coding transcript variant (1).
Genome position (GRCh38, 1-based): chr2:166,002,665, A>G on the plus strand (T>C on the coding strand, the complement: SCN1A is on the minus strand). VCF-style: chr2-166002665-A-G. GRCh37 (hg19) VCF-style: chr2-166859175-A-G.
Other names: c.4007T>C, p.Met1336Thr (NM_001165964.3, NM_001353957.2, NM_001353958.2); c.4091T>C, p.Met1364Thr (NM_001202435.3, NM_001353948.2); c.4058T>C, p.Met1353Thr (NM_001353949.2, NM_001353950.2, NM_001353951.2 and 2 more transcripts); c.4055T>C, p.Met1352Thr (NM_001353954.2, NM_001353955.2); c.4004T>C, p.Met1335Thr (NM_001353960.2); c.1649T>C, p.Met550Thr (NM_001353961.2); short protein forms M1335T, M1336T, M1352T, M1353T, M1364T, M550T.
Identifiers: ClinVar variation 1026981 (VCV001026981.10), dbSNP rs1691074591, ClinGen allele CA349050493.